The following is an entry in ClinVar:

NM_016148.5(SHANK1):c.6229T>C (p.Ser2077Pro)

Gene: SHANK1 (SH3 and multiple ankyrin repeat domains 1; minus strand). Cytogenetic location: 19q13.33.
Variant type: single nucleotide variant.
Coding change: c.6229T>C on transcript NM_016148.5 (MANE Select); coding-DNA position 6229, T replaced by C.
Protein change: p.Ser2077Pro; replaces serine 2077 with proline.
Molecular consequence: missense variant.
Genome position (GRCh38, 1-based): chr19:50,662,222, A>G on the plus strand (T>C on the coding strand, the complement: SHANK1 is on the minus strand). VCF-style: chr19-50662222-A-G. GRCh37 (hg19) VCF-style: chr19-51165479-A-G.
Other names: c.6229T>C (NM_016148.2); short protein forms S2077P.
Identifiers: ClinVar variation 3349187 (VCV003349187.2).

ClinVar aggregate classification (germline): Uncertain significance. Review status: criteria provided, single submitter (1 of 4 stars). 2 submissions from 2 submitters: Uncertain significance (1). 1 of the submissions does not count toward it. Last evaluated 2024-08-27.

Conditions:
Inborn genetic diseases. Identifiers: MedGen C0950123, MeSH D030342.
SHANK1-related disorder. Also called: SHANK1-related condition.

gnomAD v4.1: 1 of 1,609,736 alleles (0.000062%); highest among the groups gnomAD compares: Non-Finnish European, 0.000085%; no homozygotes.

Submissions (2):

Ambry Genetics
Classification: Uncertain significance for Inborn genetic diseases. Last evaluated: 2024-08-27. Review status: criteria provided, single submitter. Criteria: Ambry Variant Classification Scheme 2023. Collection method: clinical testing. Allele origin: germline.

PreventionGenetics, part of Exact Sciences
Classification: Uncertain significance for SHANK1-related condition. Last evaluated: 2024-03-29. Review status: no assertion criteria provided. Collection method: clinical testing. Allele origin: germline. Not counted in ClinVar's aggregate classification.
Comment: The SHANK1 c.6229T>C variant is predicted to result in the amino acid substitution p.Ser2077Pro. To our knowledge, this variant has not been reported in the literature. This variant is reported in 0.0065% of alleles in individuals of European (Non-Finnish) descent in gnomAD. At this time, the clinical significance of this variant is uncertain due to the absence of conclusive functional and genetic evidence.